The following is an entry in ClinVar:

ClinVar aggregate classification (germline): Uncertain significance (1 of 4 stars; one submission).

Submission:

GeneDx
Classification: Uncertain significance. Last evaluated: 2020-10-26. Review status: criteria provided, single submitter. Criteria: GeneDx Variant Classification Process June 2021. Collection method: clinical testing. Allele origin: germline. Affected: yes.
Comment: Not observed in large population cohorts (Lek et al., 2016); In silico analysis supports that this missense variant has a deleterious effect on protein structure/function; Has not been previously published as pathogenic or benign to our knowledge

NM_017946.4(FKBP14):c.410G>C (p.Gly137Ala)

Genes: FKBP14 (FKBP prolyl isomerase 14; minus strand), FKBP14-AS1 (FKBP14 antisense RNA 1; plus strand). Cytogenetic location: 7p14.3.
Variant type: single nucleotide variant.
Coding change: c.410G>C on transcript NM_017946.4 (MANE Select); coding-DNA position 410, G replaced by C.
Protein change: p.Gly137Ala; replaces glycine 137 with alanine.
Molecular consequence: missense variant. On other transcripts: non-coding transcript variant (2).
Genome position (GRCh38, 1-based): chr7:30,019,063, C>G on the plus strand (G>C on the coding strand, the complement: FKBP14 is on the minus strand). VCF-style: chr7-30019063-C-G. GRCh37 (hg19) VCF-style: chr7-30058679-C-G.
Other names: short protein forms G137A.
Identifiers: ClinVar variation 450975 (VCV000450975.3), dbSNP rs1554369200, ClinGen allele CA367116837.
Genomic context (GRCh38, chr7:30,019,063, plus strand): 5'-TTAGAGAGTTTCCAGTCATCATTAAGATCCATTTCTTGGAATGATTCATGGGATCTTGGT[C>G]CATTTCGAATCTCCAGGAGATCAATATTAAATATCAGTGTACTTTCTGGGGGAATTTTAC-3'
Protein context (NP_060416.1, residues 127-147): FNIDLLEIRN[Gly137Ala]PRSHESFQEM